The following is an entry in ClinVar:

ClinVar aggregate classification (germline): Pathogenic/Likely pathogenic. Review status: criteria provided, multiple submitters, no conflicts (2 of 4 stars). 4 submissions from 4 submitters: Pathogenic (3); Likely pathogenic (1). Last evaluated 2024-07-29.

Conditions:
Transient bullous dermolysis of the newborn (TBDN). Also called: DYSTROPHIC EPIDERMOLYSIS BULLOSA, NEONATAL; EPIDERMOLYSIS BULLOSA DYSTROPHICA, NEONATAL FORM. Identifiers: Orphanet 79411, MedGen C1851573, MONDO:0007548, OMIM 131705.
Epidermolysis bullosa pruriginosa. Also called: DEB, PRURIGINOSA; DYSTROPHIC EPIDERMOLYSIS BULLOSA PRURIGINOSA. Identifiers: Orphanet 89843, MedGen C1275114, MONDO:0011398, OMIM 604129.
Recessive dystrophic epidermolysis bullosa (RDEB). Also called: severe generalized recessive dystrophic epidermolysis bullosa; EPIDERMOLYSIS BULLOSA DYSTROPHICA, GENERALIZED SEVERE, AUTOSOMAL RECESSIVE; Epidermolysis Bullosa Distrophica Autosomal Recessive (RDEB); DYSTROPHIC EPIDERMOLYSIS BULLOSA, AUTOSOMAL RECESSIVE; EPIDERMOLYSIS BULLOSA DYSTROPHICA, HALLOPEAU-SIEMENS TYPE; epidermolysis bullosa dystrophica, autosomal recessive. Identifiers: Orphanet 79408, Orphanet 79409, MedGen C0079474, MONDO:0009179, OMIM 226600.
Nonsyndromic congenital nail disorder 8. Also called: TOENAIL DYSTROPHY, ISOLATED. Identifiers: MedGen C1843761, MONDO:0011852, OMIM 607523.
Generalized dominant dystrophic epidermolysis bullosa (DDEB). Also called: DDEB, generalized; DDEB-gen; DYSTROPHIC EPIDERMOLYSIS BULLOSA, AUTOSOMAL DOMINANT; Epidermolysis bullosa dystrophica, autosomal dominant; Dominant DEB (DDEB). Identifiers: Orphanet 231568, MedGen C0432322, MONDO:0007549, OMIM 131750.
Pretibial dystrophic epidermolysis bullosa. Also called: Pretibial blistering; EPIDERMOLYSIS BULLOSA DYSTROPHICA, PRETIBIAL; Pretibial epidermolysis bullosa. Identifiers: Orphanet 79410, MedGen C0432321, MONDO:0007552, OMIM 131850, HP:0012221.
Dominant dystrophic epidermolysis bullosa with absence of skin. Also called: EPIDERMOLYSIS BULLOSA WITH CONGENITAL LOCALIZED ABSENCE OF SKIN AND DEFORMITY OF NAILS; EPIDERMOLYSIS BULLOSA DYSTROPHICA, BART TYPE. Identifiers: MedGen C0268371, MONDO:0007557, OMIM 132000.

Allele frequency attached by ClinVar (database versions not stated): gnomAD exomes 0.00001; ExAC 0.00002; TOPMed 0.00002.
gnomAD v4.1: 5 of 1,613,830 alleles (0.00031%); highest among the groups gnomAD compares: Non-Finnish European, 0.00042%; no homozygotes.

Submissions (4):

Myriad Genetics, Inc.
Classification: Pathogenic for Recessive dystrophic epidermolysis bullosa. Last evaluated: 2024-07-29. Review status: criteria provided, single submitter. Criteria: Myriad Autosomal Dominant, Autosomal Recessive and X-Linked Classification Criteria (2023). Collection method: clinical testing. Allele origin: unknown.
Comment: NM_000094.3(COL7A1):c.1564C>T(Q522*) is expected to be pathogenic in the context of dystrophic epidermolysis bullosa. This variant is predicted to lead to an abnormal or absent protein product due to the creation of a premature termination codon in COL7A1, a gene where loss-of-function variants are known to be pathogenic. Please note: this variant was assessed in the context of healthy population screening.

Labcorp Genetics (formerly Invitae), Labcorp
Classification: Pathogenic. Last evaluated: 2024-05-06. Review status: criteria provided, single submitter. Criteria: Invitae Variant Classification Sherloc (09022015). Collection method: clinical testing. Allele origin: germline.
Comment: This sequence change creates a premature translational stop signal (p.Gln522*) in the COL7A1 gene. It is expected to result in an absent or disrupted protein product. Loss-of-function variants in COL7A1 are known to be pathogenic (PMID: 16971478). This variant is present in population databases (rs770684431, gnomAD 0.003%). This variant has not been reported in the literature in individuals affected with COL7A1-related conditions. ClinVar contains an entry for this variant (Variation ID: 944010). For these reasons, this variant has been classified as Pathogenic.

Fulgent Genetics
Classification: Likely pathogenic for Transient bullous dermolysis of the newborn; Generalized dominant dystrophic epidermolysis bullosa; Pretibial dystrophic epidermolysis bullosa; Dominant dystrophic epidermolysis bullosa with absence of skin; Recessive dystrophic epidermolysis bullosa; Epidermolysis bullosa pruriginosa; Nonsyndromic congenital nail disorder 8. Last evaluated: 2024-02-26. Review status: criteria provided, single submitter. Criteria: ACMG Guidelines, 2015. Collection method: clinical testing. Allele origin: germline.

Clinical Genetics Laboratory, Skane University Hospital Lund
Classification: Pathogenic. Last evaluated: 2023-07-19. Review status: criteria provided, single submitter. Criteria: ACMG Guidelines, 2015. Collection method: clinical testing. Allele origin: germline. Affected: yes.

Literature cited by the submitters: PubMed 16971478 (cited by Labcorp Genetics (formerly Invitae), Labcorp).

NM_000094.4(COL7A1):c.1564C>T (p.Gln522Ter)

Gene: COL7A1 (collagen type VII alpha 1 chain; minus strand). Cytogenetic location: 3p21.31.
Variant type: single nucleotide variant.
Coding change: c.1564C>T on transcript NM_000094.4 (MANE Select); coding-DNA position 1564, C replaced by T.
Protein change: p.Gln522Ter; replaces glutamine 522 with a stop codon.
Molecular consequence: nonsense.
Genome position (GRCh38, 1-based): chr3:48,591,536, G>A on the plus strand (C>T on the coding strand, the complement: COL7A1 is on the minus strand). VCF-style: chr3-48591536-G-A. GRCh37 (hg19) VCF-style: chr3-48628969-G-A.
Other names: short protein forms Q522*.
Identifiers: ClinVar variation 944010 (VCV000944010.8), dbSNP rs770684431, ClinGen allele CA2381176.
Genomic context (GRCh38, chr3:48,591,536, plus strand): 5'-GCACAATGATGCGGTACTGGGTGGCACCAGGGACTGGGCTCCAGGACACTCGCACCCGCT[G>A]CCCGGGCAGCTCGGTGGCTTGCAGGTCTGTTACAGGGCTCACAGGCAGCTCTGGTCCTGT-3'